The following is an entry in ClinVar:

NM_002691.4(POLD1):c.1634A>G (p.Tyr545Cys)

Gene: POLD1 (DNA polymerase delta 1, catalytic subunit; plus strand). Cytogenetic location: 19q13.33.
Variant type: single nucleotide variant.
Coding change: c.1634A>G on transcript NM_002691.4 (MANE Select); coding-DNA position 1634, A replaced by G.
Protein change: p.Tyr545Cys; replaces tyrosine 545 with cysteine.
Molecular consequence: missense variant. On other transcripts: non-coding transcript variant (1).
Genome position (GRCh38, 1-based): chr19:50,407,122, A>G. VCF-style: chr19-50407122-A-G. GRCh37 (hg19) VCF-style: chr19-50910379-A-G.
Other names: c.1634A>G, p.Tyr545Cys (NM_001256849.1, NM_001308632.1); short protein forms Y545C.
Identifiers: ClinVar variation 861557 (VCV000861557.13), dbSNP rs2038922326, ClinGen allele CA406981018.

ClinVar aggregate classification (germline): Uncertain significance. Review status: criteria provided, multiple submitters, no conflicts (2 of 4 stars). 2 submissions from 2 submitters: Uncertain significance (2). Last evaluated 2025-06-26.

Conditions:
POLD1-related polyposis and colorectal cancer syndrome (CRCS10). Also called: Colorectal cancer 10; COLORECTAL CANCER, SUSCEPTIBILITY TO, ON CHROMOSOME 19q; Colorectal cancer, susceptibility to, 10. Identifiers: Orphanet 220460, MedGen C2675481, MONDO:0012953, OMIM 612591.
Hereditary cancer-predisposing syndrome. Also called: Tumor predisposition; Hereditary Cancer Syndrome; Hereditary neoplastic syndrome; Neoplastic Syndromes, Hereditary. Identifiers: Orphanet 140162, MedGen C0027672, MeSH D009386, MONDO:0015356.

Allele frequency attached by ClinVar (database versions not stated): gnomAD exomes below 0.00001; gnomAD 0.00001.
gnomAD v4.1: 2 of 1,613,282 alleles (0.00012%); highest among the groups gnomAD compares: African/African-American, 0.0013%; no homozygotes.

Submissions (2):

Ambry Genetics
Classification: Uncertain significance for Hereditary cancer-predisposing syndrome. Last evaluated: 2025-06-26. Review status: criteria provided, single submitter. Criteria: Ambry Variant Classification Scheme 2023. Collection method: clinical testing. Allele origin: germline.
Comment: The p.Y545C variant (also known as c.1634A>G), located in coding exon 12 of the POLD1 gene, results from an A to G substitution at nucleotide position 1634. The tyrosine at codon 545 is replaced by cysteine, an amino acid with highly dissimilar properties. This amino acid position is conserved. In addition, the in silico prediction for this alteration is inconclusive. Since supporting evidence is limited at this time, the clinical significance of this alteration remains unclear.

Labcorp Genetics (formerly Invitae), Labcorp
Classification: Uncertain significance for POLD1-related polyposis and colorectal cancer syndrome. Last evaluated: 2021-12-30. Review status: criteria provided, single submitter. Criteria: Invitae Variant Classification Sherloc (09022015). Collection method: clinical testing. Allele origin: germline.
Comment: In summary, the available evidence is currently insufficient to determine the role of this variant in disease. Therefore, it has been classified as a Variant of Uncertain Significance. Algorithms developed to predict the effect of missense changes on protein structure and function are either unavailable or do not agree on the potential impact of this missense change (SIFT: "Deleterious"; PolyPhen-2: "Benign"; Align-GVGD: "Class C0"). ClinVar contains an entry for this variant (Variation ID: 861557). This variant has not been reported in the literature in individuals affected with POLD1-related conditions. This variant is not present in population databases (gnomAD no frequency). This sequence change replaces tyrosine, which is neutral and polar, with cysteine, which is neutral and slightly polar, at codon 545 of the POLD1 protein (p.Tyr545Cys).